The following is an entry in ClinVar:

NM_001378452.1(ITPR1):c.1093T>G (p.Ser365Ala)

Gene: ITPR1 (inositol 1,4,5-trisphosphate receptor type 1; plus strand). Cytogenetic location: 3p26.1.
Variant type: single nucleotide variant.
Coding change: c.1093T>G on transcript NM_001378452.1 (MANE Select); coding-DNA position 1093, T replaced by G.
Protein change: p.Ser365Ala; replaces serine 365 with alanine.
Molecular consequence: missense variant.
Genome position (GRCh38, 1-based): chr3:4,658,220, T>G. VCF-style: chr3-4658220-T-G. GRCh37 (hg19) VCF-style: chr3-4699904-T-G.
Other names: c.1093T>G, p.Ser365Ala (NM_001099952.4); c.1048T>G, p.Ser350Ala (NM_001168272.2, NM_002222.7); short protein forms S365A, S350A.
Identifiers: ClinVar variation 1465797 (VCV001465797.6), dbSNP rs2093756773, ClinGen allele CA351639789.

ClinVar aggregate classification (germline): Uncertain significance (1 of 4 stars; one submission).

Submission:

Labcorp Genetics (formerly Invitae), Labcorp
Classification: Uncertain significance. Last evaluated: 2022-06-13. Review status: criteria provided, single submitter. Criteria: Invitae Variant Classification Sherloc (09022015). Collection method: clinical testing. Allele origin: germline.
Comment: In summary, the available evidence is currently insufficient to determine the role of this variant in disease. Therefore, it has been classified as a Variant of Uncertain Significance. Algorithms developed to predict the effect of missense changes on protein structure and function (SIFT, PolyPhen-2, Align-GVGD) all suggest that this variant is likely to be tolerated. This sequence change replaces serine, which is neutral and polar, with alanine, which is neutral and non-polar, at codon 350 of the ITPR1 protein (p.Ser350Ala). This variant has not been reported in the literature in individuals affected with ITPR1-related conditions. This variant is not present in population databases (gnomAD no frequency).